The following is an entry in ClinVar:

ClinVar aggregate classification (germline): Benign/Likely benign. Review status: criteria provided, multiple submitters, no conflicts (2 of 4 stars). 2 submissions from 2 submitters: Benign (1); Likely benign (1). Last evaluated 2026-02-02.

Allele frequency attached by ClinVar (database versions not stated): gnomAD exomes 0.00006 and 0.00025; gnomAD 0.00009 and 0.00011; TOPMed 0.00012; 1000 Genomes Project 30x 0.00016; 1000 Genomes Project 0.00020; ExAC 0.00021.
gnomAD v4.1: 103 of 1,589,786 alleles (0.0065%); highest among the groups gnomAD compares: East Asian, 0.22%; 1 homozygote.

Submissions (2):

Labcorp Genetics (formerly Invitae), Labcorp
Classification: Benign. Last evaluated: 2026-02-02. Review status: criteria provided, single submitter. Criteria: Invitae Variant Classification Sherloc (09022015). Collection method: clinical testing. Allele origin: germline.

GeneDx
Classification: Likely benign. Last evaluated: 2018-03-26. Review status: criteria provided, single submitter. Criteria: GeneDx Variant Classification (06012015). Collection method: clinical testing. Allele origin: germline. Affected: yes.
Comment: This variant is considered likely benign or benign based on one or more of the following criteria: it is a conservative change, it occurs at a poorly conserved position in the protein, it is predicted to be benign by multiple in silico algorithms, and/or has population frequency not consistent with disease.

NM_001042545.2(LTBP4):c.3484+18G>A

Gene: LTBP4 (latent transforming growth factor beta binding protein 4; plus strand). Cytogenetic location: 19q13.2.
Variant type: single nucleotide variant.
Coding change: c.3484+18G>A on transcript NM_001042545.2 (MANE Select); 18 bases into the intron after coding-DNA position 3484, G replaced by A.
Molecular consequence: intron variant.
Genome position (GRCh38, 1-based): chr19:40,622,685, G>A. VCF-style: chr19-40622685-G-A. GRCh37 (hg19) VCF-style: chr19-41128590-G-A.
Other names: c.3574+18G>A (NM_003573.2); c.3685+18G>A (NM_001042544.1).
Identifiers: ClinVar variation 680884 (VCV000680884.9), dbSNP rs556347129, ClinGen allele CA9449018.